The following is an entry in ClinVar:

NM_002582.4(PARN):c.937G>A (p.Glu313Lys)

Gene: PARN (poly(A)-specific ribonuclease; minus strand). Cytogenetic location: 16p13.12.
Variant type: single nucleotide variant.
Coding change: c.937G>A on transcript NM_002582.4 (MANE Select); coding-DNA position 937, G replaced by A.
Protein change: p.Glu313Lys; replaces glutamic acid 313 with lysine.
Molecular consequence: missense variant.
Genome position (GRCh38, 1-based): chr16:14,586,343, C>T on the plus strand (G>A on the coding strand, the complement: PARN is on the minus strand). VCF-style: chr16-14586343-C-T. GRCh37 (hg19) VCF-style: chr16-14680200-C-T.
Other names: c.754G>A, p.Glu252Lys (NM_001134477.3); c.799G>A, p.Glu267Lys (NM_001242992.2); short protein forms E267K, E252K, E313K.
Identifiers: ClinVar variation 1516447 (VCV001516447.8), dbSNP rs2151757148, ClinGen allele CA394803505.
Genomic context (GRCh38, chr16:14,586,343, plus strand): 5'-TTTAAAAGAAAGACAAATCCTCAAAGAAAGCTTACCTGGGGAAAACACATGTTGTCATCT[C>T]TTTAAACTCACTTAAGTCCTAAAGAACAAGAGAAGGACTTGTTACAATTTTCCTAATACA-3'
Protein context (NP_002573.1, residues 303-323): PLPADLSEFK[Glu313Lys]MTTCVFPRLL

ClinVar aggregate classification (germline): Uncertain significance (1 of 4 stars; one submission).

Conditions:
Dyskeratosis congenita, autosomal recessive 6 (DKCB6). Identifiers: MedGen C4225356, MONDO:0014600, OMIM 616353.
Pulmonary fibrosis and/or bone marrow failure, Telomere-related, 4. Also called: PULMONARY FIBROSIS AND/OR BONE MARROW FAILURE SYNDROME, TELOMERE-RELATED, 4. Identifiers: Orphanet 2032, MedGen C4225347, MONDO:0014612, OMIM 616371.

Submission:

Labcorp Genetics (formerly Invitae), Labcorp
Classification: Uncertain significance for Dyskeratosis congenita, autosomal recessive 6; Pulmonary fibrosis and/or bone marrow failure, Telomere-related, 4. Last evaluated: 2021-03-13. Review status: criteria provided, single submitter. Criteria: Invitae Variant Classification Sherloc (09022015). Collection method: clinical testing. Allele origin: germline.
Comment: In summary, the available evidence is currently insufficient to determine the role of this variant in disease. Therefore, it has been classified as a Variant of Uncertain Significance. Algorithms developed to predict the effect of missense changes on protein structure and function are either unavailable or do not agree on the potential impact of this missense change (SIFT: "Deleterious"; PolyPhen-2: "Benign"; Align-GVGD: "Class C0"). This variant has not been reported in the literature in individuals with PARN-related conditions. This variant is not present in population databases (ExAC no frequency). This sequence change replaces glutamic acid with lysine at codon 313 of the PARN protein (p.Glu313Lys). The glutamic acid residue is highly conserved and there is a small physicochemical difference between glutamic acid and lysine.